The following is an entry in ClinVar:

NM_030773.4(TUBB1):c.128A>C (p.Gln43Pro)

Gene: TUBB1 (tubulin beta 1 class VI; plus strand). Cytogenetic location: 20q13.32.
Variant type: single nucleotide variant.
Coding change: c.128A>C on transcript NM_030773.4 (MANE Select); coding-DNA position 128, A replaced by C.
Protein change: p.Gln43Pro; replaces glutamine 43 with proline.
Molecular consequence: missense variant.
Genome position (GRCh38, 1-based): chr20:59,022,915, A>C. VCF-style: chr20-59022915-A-C. GRCh37 (hg19) VCF-style: chr20-57597970-A-C.
Other names: short protein forms Q43P.
Identifiers: ClinVar variation 1233171 (VCV001233171.6), dbSNP rs463312, ClinGen allele CA9928375.

ClinVar aggregate classification (germline): Benign/Likely benign. Review status: criteria provided, multiple submitters, no conflicts (2 of 4 stars). 4 submissions from 4 submitters: Benign (3); Likely benign (1). Last evaluated 2026-01-28.

Allele frequency attached by ClinVar (database versions not stated): ESP Exome Variant Server 0.03975; gnomAD 0.05495 and 0.05831; TOPMed 0.05704; gnomAD exomes 0.05822 and 0.07676; ExAC 0.07707; 1000 Genomes Project 30x 0.08385; 1000 Genomes Project 0.08427.
gnomAD v4.1: 94,284 of 1,613,900 alleles (5.8%); highest among the groups gnomAD compares: South Asian, 14%; 3,429 homozygotes.

Submissions (4):

Labcorp Genetics (formerly Invitae), Labcorp
Classification: Benign. Last evaluated: 2026-01-28. Review status: criteria provided, single submitter. Criteria: Invitae Variant Classification Sherloc (09022015). Collection method: clinical testing. Allele origin: germline.

Blueprint Genetics
Classification: Likely benign. Last evaluated: 2024-11-28. Review status: criteria provided, single submitter. Criteria: ACMG Guidelines, 2015. Collection method: clinical testing. Allele origin: germline.

GeneDx
Classification: Benign. Last evaluated: 2020-07-14. Review status: criteria provided, single submitter. Criteria: GeneDx Variant Classification Process June 2021. Collection method: clinical testing. Allele origin: germline. Affected: yes.
Comment: This variant is associated with the following publications: (PMID: 17488662)

Breakthrough Genomics
Classification: Benign. Review status: criteria provided, single submitter. Criteria: ACMG Guidelines, 2015. Collection method: not provided. Allele origin: germline. Inheritance: Autosomal dominant inheritance. Affected: yes.